The following is an entry in ClinVar:

NM_000780.4(CYP7A1):c.1357G>A (p.Glu453Lys)

Gene: CYP7A1 (cytochrome P450 family 7 subfamily A member 1; minus strand). Cytogenetic location: 8q12.1.
Variant type: single nucleotide variant.
Coding change: c.1357G>A on transcript NM_000780.4 (MANE Select); coding-DNA position 1357, G replaced by A.
Protein change: p.Glu453Lys; replaces glutamic acid 453 with lysine.
Molecular consequence: missense variant.
Genome position (GRCh38, 1-based): chr8:58,491,633, C>T on the plus strand (G>A on the coding strand, the complement: CYP7A1 is on the minus strand). VCF-style: chr8-58491633-C-T. GRCh37 (hg19) VCF-style: chr8-59404192-C-T.
Other names: c.1357G>A (NM_000780.3); short protein forms E453K.
Identifiers: ClinVar variation 290137 (VCV000290137.8), dbSNP rs755342899, ClinGen allele CA4756557.

ClinVar aggregate classification (germline): Uncertain significance. Review status: criteria provided, multiple submitters, no conflicts (2 of 4 stars). 3 submissions from 3 submitters: Uncertain significance (3). Last evaluated 2025-11-19.

Conditions:
CYP7A1-related disorder. Also called: CYP7A1-related condition.

Allele frequency attached by ClinVar (database versions not stated): gnomAD 0.00004 and 0.00005; TOPMed 0.00004; gnomAD exomes 0.00008; ExAC 0.00009.

Submissions (3):

Labcorp Genetics (formerly Invitae), Labcorp
Classification: Uncertain significance. Last evaluated: 2025-11-19. Review status: criteria provided, single submitter. Criteria: Invitae Variant Classification Sherloc (09022015). Collection method: clinical testing. Allele origin: germline.
Comment: This sequence change replaces glutamic acid, which is acidic and polar, with lysine, which is basic and polar, at codon 453 of the CYP7A1 protein (p.Glu453Lys). This variant is present in population databases (rs755342899, gnomAD 0.02%). This variant has not been reported in the literature in individuals affected with CYP7A1-related conditions. ClinVar contains an entry for this variant (Variation ID: 290137). Invitae Evidence Modeling of protein sequence and biophysical properties (such as structural, functional, and spatial information, amino acid conservation, physicochemical variation, residue mobility, and thermodynamic stability) indicates that this missense variant is expected to disrupt CYP7A1 protein function with a positive predictive value of 80%. In summary, the available evidence is currently insufficient to determine the role of this variant in disease. Therefore, it has been classified as a Variant of Uncertain Significance.

PreventionGenetics, part of Exact Sciences
Classification: Uncertain significance for CYP7A1-related condition. Last evaluated: 2025-01-19. Review status: criteria provided, single submitter. Criteria: ACMG Guidelines, 2015. Collection method: clinical testing. Allele origin: germline.
Comment: The CYP7A1 c.1357G>A variant is predicted to result in the amino acid substitution p.Glu453Lys. To our knowledge, this variant has not been reported in the literature. This variant is reported in 0.023% of alleles in individuals of South Asian descent in gnomAD. At this time, the clinical significance of this variant is uncertain due to the absence of conclusive functional and genetic evidence.

Eurofins Ntd Llc (ga)
Classification: Uncertain significance. Last evaluated: 2016-08-10. Review status: criteria provided, single submitter. Criteria: EGL Classification Definitions 2015. Collection method: clinical testing. Allele origin: germline. Observed: 1 variant allele, 1 heterozygote.